The following is an entry in ClinVar:

NM_024652.6(LRRK1):c.259A>G (p.Lys87Glu)

Gene: LRRK1 (leucine rich repeat kinase 1; plus strand). Cytogenetic location: 15q26.3.
Variant type: single nucleotide variant.
Coding change: c.259A>G on transcript NM_024652.6 (MANE Select); coding-DNA position 259, A replaced by G.
Protein change: p.Lys87Glu; replaces lysine 87 with glutamic acid.
Molecular consequence: missense variant.
Genome position (GRCh38, 1-based): chr15:100,973,965, A>G. VCF-style: chr15-100973965-A-G. GRCh37 (hg19) VCF-style: chr15-101514170-A-G.
Other names: short protein forms K87E.
Identifiers: ClinVar variation 1474257 (VCV001474257.4), dbSNP rs28468535, ClinGen allele CA7760516.

ClinVar aggregate classification (germline): Uncertain significance. Review status: criteria provided, multiple submitters, no conflicts (2 of 4 stars). 2 submissions from 2 submitters: Uncertain significance (2). Last evaluated 2022-06-20.

Allele frequency attached by ClinVar (database versions not stated): gnomAD exomes 0.00006 and 0.00012; 1000 Genomes Project 30x 0.00016; 1000 Genomes Project 0.00020; ExAC 0.00075; gnomAD 0.00088 and 0.00097; TOPMed 0.00092.
gnomAD v4.1: 209 of 1,248,036 alleles (0.017%); highest among the groups gnomAD compares: African/African-American, 0.3%; 3 homozygotes.

Submissions (2):

Labcorp Genetics (formerly Invitae), Labcorp
Classification: Uncertain significance. Last evaluated: 2022-06-20. Review status: criteria provided, single submitter. Criteria: Invitae Variant Classification Sherloc (09022015). Collection method: clinical testing. Allele origin: germline.
Comment: This sequence change replaces lysine, which is basic and polar, with glutamic acid, which is acidic and polar, at codon 87 of the LRRK1 protein (p.Lys87Glu). The frequency data for this variant in the population databases is considered unreliable, as metrics indicate poor data quality at this position in the gnomAD database. This variant has not been reported in the literature in individuals affected with LRRK1-related conditions. Algorithms developed to predict the effect of missense changes on protein structure and function (SIFT, PolyPhen-2, Align-GVGD) all suggest that this variant is likely to be tolerated. In summary, the available evidence is currently insufficient to determine the role of this variant in disease. Therefore, it has been classified as a Variant of Uncertain Significance.

Breakthrough Genomics
Classification: Uncertain significance. Review status: criteria provided, single submitter. Criteria: ACMG Guidelines, 2015. Collection method: not provided. Allele origin: germline. Inheritance: Autosomal recessive inheritance. Affected: yes.